The following is an entry in ClinVar:

ClinVar aggregate classification (germline): Uncertain significance (1 of 4 stars; one submission).

Conditions:
Hereditary spastic paraplegia 39 (SPG39). Also called: Spastic Paraplegia Type 39 (SPG39); SPASTIC PARAPLEGIA 39, AUTOSOMAL RECESSIVE. Identifiers: Orphanet 139480, MedGen C2677586, MONDO:0012787, OMIM 612020.

Allele frequency attached by ClinVar (database versions not stated): gnomAD exomes 0.00001; ExAC 0.00002.
gnomAD v4.1: 11 of 1,614,208 alleles (0.00068%); highest among the groups gnomAD compares: South Asian, 0.0022%; no homozygotes.

Submission:

Labcorp Genetics (formerly Invitae), Labcorp
Classification: Uncertain significance for Hereditary spastic paraplegia 39. Last evaluated: 2022-12-02. Review status: criteria provided, single submitter. Criteria: Invitae Variant Classification Sherloc (09022015). Collection method: clinical testing. Allele origin: germline.
Comment: In summary, the available evidence is currently insufficient to determine the role of this variant in disease. Therefore, it has been classified as a Variant of Uncertain Significance. Algorithms developed to predict the effect of sequence changes on RNA splicing suggest that this variant may create or strengthen a splice site. This variant has not been reported in the literature in individuals affected with PNPLA6-related conditions. This variant is present in population databases (rs771388697, gnomAD 0.0009%). This sequence change affects codon 725 of the PNPLA6 mRNA. It is a 'silent' change, meaning that it does not change the encoded amino acid sequence of the PNPLA6 protein.

NM_001166114.2(PNPLA6):c.2289G>A (p.Ser763=)

Gene: PNPLA6 (patatin like domain 6, lysophospholipase; plus strand). Cytogenetic location: 19p13.2.
Variant type: single nucleotide variant.
Coding change: c.2289G>A on transcript NM_001166114.2 (MANE Select); coding-DNA position 2289, G replaced by A.
Protein change: p.Ser763=; no amino-acid change (serine 763 retained).
Molecular consequence: synonymous variant.
Genome position (GRCh38, 1-based): chr19:7,553,903, G>A. VCF-style: chr19-7553903-G-A. GRCh37 (hg19) VCF-style: chr19-7618789-G-A.
Other names: c.2319G>A, p.Ser773= (NM_001166111.2); c.2094G>A, p.Ser698= (NM_001166112.2); c.2175G>A, p.Ser725= (NM_001166113.1, NM_006702.5).
Identifiers: ClinVar variation 2136556 (VCV002136556.4), dbSNP rs771388697, ClinGen allele CA9140058.